The following is an entry in ClinVar:

NM_005002.5(NDUFA9):c.621T>A (p.Phe207Leu)

Gene: NDUFA9 (NADH:ubiquinone oxidoreductase subunit A9; plus strand). Cytogenetic location: 12p13.32.
Variant type: single nucleotide variant.
Coding change: c.621T>A on transcript NM_005002.5 (MANE Select); coding-DNA position 621, T replaced by A.
Protein change: p.Phe207Leu; replaces phenylalanine 207 with leucine.
Molecular consequence: missense variant.
Genome position (GRCh38, 1-based): chr12:4,662,601, T>A. VCF-style: chr12-4662601-T-A. GRCh37 (hg19) VCF-style: chr12-4771767-T-A.
Other names: short protein forms F207L.
Identifiers: ClinVar variation 1961514 (VCV001961514.5), dbSNP rs1416601245, ClinGen allele CA383450825.
Genomic context (GRCh38, chr12:4,662,601, plus strand): 5'-AGAGAAAGTAGTGAGAGATGCATTTCCGGAAGCCATTATCGTAAAGCCGTCGGACATCTT[T>A]GGAAGAGAGGATAGATTCCTTAATTCTTTTGCAAGTACGTATTCTTTCTTAATGGTAGAA-3'
Protein context (NP_004993.1, residues 197-217): EAIIVKPSDI[Phe207Leu]GREDRFLNSF

ClinVar aggregate classification (germline): Uncertain significance (1 of 4 stars; one submission).

gnomAD v4.1: 3 of 1,613,822 alleles (0.00019%); highest among the groups gnomAD compares: Non-Finnish European, 0.00017%; no homozygotes.

Submission:

Labcorp Genetics (formerly Invitae), Labcorp
Classification: Uncertain significance. Last evaluated: 2025-06-23. Review status: criteria provided, single submitter. Criteria: Invitae Variant Classification Sherloc (09022015). Collection method: clinical testing. Allele origin: germline.
Comment: This sequence change replaces phenylalanine, which is neutral and non-polar, with leucine, which is neutral and non-polar, at codon 207 of the NDUFA9 protein (p.Phe207Leu). This variant is present in population databases (no rsID available, gnomAD 0.0009%). This variant has not been reported in the literature in individuals affected with NDUFA9-related conditions. ClinVar contains an entry for this variant (Variation ID: 1961514). An algorithm developed to predict the effect of missense changes on protein structure and function (PolyPhen-2) suggests that this variant is likely to be disruptive. In summary, the available evidence is currently insufficient to determine the role of this variant in disease. Therefore, it has been classified as a Variant of Uncertain Significance.